The following is an entry in ClinVar:

NM_001010874.5(TECRL):c.853A>T (p.Ser285Cys)

Gene: TECRL (trans-2,3-enoyl-CoA reductase like; minus strand). Cytogenetic location: 4q13.1.
Variant type: single nucleotide variant.
Coding change: c.853A>T on transcript NM_001010874.5 (MANE Select); coding-DNA position 853, A replaced by T.
Protein change: p.Ser285Cys; replaces serine 285 with cysteine.
Molecular consequence: missense variant.
Genome position (GRCh38, 1-based): chr4:64,281,539, T>A on the plus strand (A>T on the coding strand, the complement: TECRL is on the minus strand). VCF-style: chr4-64281539-T-A. GRCh37 (hg19) VCF-style: chr4-65147257-T-A.
Other names: c.853A>T, p.Ser285Cys (NM_001363796.1); short protein forms S285C.
Identifiers: ClinVar variation 2333253 (VCV002333253.2), dbSNP rs773551131, ClinGen allele CA357043785.
Genomic context (GRCh38, chr4:64,281,539, plus strand): 5'-AGGTGTAGTTAGGACATGAAACCAGGAAAAACATCCATGTGAAGGGGTTATAATTTGGAC[T>A]TGGGAAACAGGCATTGTTTCCTTTTTCAAAGGAAAGTAAAATGTCAATGATGCTACACAT-3'
Protein context (NP_001010874.2, residues 275-295): NHTGNNACFP[Ser285Cys]PNYNPFTWMF

ClinVar aggregate classification (germline): Uncertain significance (1 of 4 stars; one submission).

Conditions:
Cardiovascular phenotype. Identifiers: MedGen CN230736.

gnomAD v4.1: 16 of 1,603,148 alleles (0.001%); highest among the groups gnomAD compares: Non-Finnish European, 0.0014%; no homozygotes.

Submission:

Ambry Genetics
Classification: Uncertain significance for Cardiovascular phenotype. Last evaluated: 2023-11-23. Review status: criteria provided, single submitter. Criteria: Ambry Variant Classification Scheme 2023. Collection method: clinical testing. Allele origin: germline.
Comment: The p.S285C variant (also known as c.853A>T), located in coding exon 10 of the TECRL gene, results from an A to T substitution at nucleotide position 853. The serine at codon 285 is replaced by cysteine, an amino acid with dissimilar properties. This amino acid position is conserved. In addition, this alteration is predicted to be tolerated by in silico analysis. Since supporting evidence is limited at this time, the clinical significance of this alteration remains unclear.